The following is an entry in ClinVar:

ClinVar aggregate classification (germline): Uncertain significance (1 of 4 stars; one submission).

Submission:

Labcorp Genetics (formerly Invitae), Labcorp
Classification: Uncertain significance. Last evaluated: 2024-10-04. Review status: criteria provided, single submitter. Criteria: Invitae Variant Classification Sherloc (09022015). Collection method: clinical testing. Allele origin: germline.
Comment: This sequence change replaces glycine, which is neutral and non-polar, with arginine, which is basic and polar, at codon 265 of the HMCN1 protein (p.Gly265Arg). This variant also falls at the last nucleotide of exon 5, which is part of the consensus splice site for this exon. This variant is not present in population databases (gnomAD no frequency). This variant has not been reported in the literature in individuals affected with HMCN1-related conditions. An algorithm developed to predict the effect of missense changes on protein structure and function (PolyPhen-2) suggests that this variant is likely to be disruptive. Variants that disrupt the consensus splice site are a relatively common cause of aberrant splicing (PMID: 17576681, 9536098). Algorithms developed to predict the effect of sequence changes on RNA splicing suggest that this variant may disrupt the consensus splice site. In summary, the available evidence is currently insufficient to determine the role of this variant in disease. Therefore, it has been classified as a Variant of Uncertain Significance.

Literature cited by the submitters: PubMed 17576681; PubMed 9536098.

NM_031935.3(HMCN1):c.793G>A (p.Gly265Arg)

Gene: HMCN1 (hemicentin 1; plus strand). Cytogenetic location: 1q31.1.
Variant type: single nucleotide variant.
Coding change: c.793G>A on transcript NM_031935.3 (MANE Select); coding-DNA position 793, G replaced by A.
Protein change: p.Gly265Arg; replaces glycine 265 with arginine.
Molecular consequence: missense variant.
Genome position (GRCh38, 1-based): chr1:185,909,508, G>A. VCF-style: chr1-185909508-G-A. GRCh37 (hg19) VCF-style: chr1-185878640-G-A.
Other names: short protein forms G265R.
Identifiers: ClinVar variation 3722146 (VCV003722146.2).